The following is an entry in ClinVar:

NM_014423.4(AFF4):c.2595G>C (p.Lys865Asn)

Gene: AFF4 (ALF transcription elongation factor 4; minus strand). Cytogenetic location: 5q31.1.
Variant type: single nucleotide variant.
Coding change: c.2595G>C on transcript NM_014423.4 (MANE Select); coding-DNA position 2595, G replaced by C.
Protein change: p.Lys865Asn; replaces lysine 865 with asparagine.
Molecular consequence: missense variant.
Genome position (GRCh38, 1-based): chr5:132,892,206, C>G on the plus strand (G>C on the coding strand, the complement: AFF4 is on the minus strand). VCF-style: chr5-132892206-C-G. GRCh37 (hg19) VCF-style: chr5-132227898-C-G.
Other names: c.2595G>C (NM_014423.3); short protein forms K865N.
Identifiers: ClinVar variation 4744505 (VCV004744505.2).
Genomic context (GRCh38, chr5:132,892,206, plus strand): 5'-AGGCCCCCAACACTTTACCTTAACCTCCTTGGAGCTACTGGAAGTCTTCCCTTCGGTCTT[C>G]TTCTGCTTTGATGTGGAGGAACTGTTTTTGCTGCTGCCACTCGTCTCCTTGTTGCTGTTA-3'
Protein context (NP_055238.1, residues 855-875): SKNSSSTSKQ[Lys865Asn]KTEGKTSSSS

ClinVar aggregate classification (germline): Uncertain significance. Review status: criteria provided, multiple submitters, no conflicts (2 of 4 stars). 2 submissions from 2 submitters: Uncertain significance (2). Last evaluated 2026-03-14.

Conditions:
AFF4-related disorder. Also called: AFF4-related condition.
Cognitive impairment - coarse facies - heart defects - obesity - pulmonary involvement - short stature - skeletal dysplasia syndrome. Also called: AFF4-Related CHOPS Syndrome; COGNITIVE IMPAIRMENT, COARSE FACIES, HEART DEFECTS, OBESITY, PULMONARY INVOLVEMENT, SHORT STATURE, AND SKELETAL DYSPLASIA; Chops syndrome. Identifiers: Orphanet 444077, MedGen C4085597, MONDO:0014609, OMIM 616368.

gnomAD v4.1: 16 of 1,614,032 alleles (0.00099%); highest among the groups gnomAD compares: Non-Finnish European, 0.0014%; no homozygotes.

Submissions (2):

PreventionGenetics, part of Exact Sciences
Classification: Uncertain significance for AFF4-related condition. Last evaluated: 2026-03-14. Review status: criteria provided, single submitter. Criteria: ACMG Guidelines, 2015. Collection method: clinical testing. Allele origin: germline.
Comment: The AFF4 c.2595G>C variant is predicted to result in the amino acid substitution p.Lys865Asn. To our knowledge, this variant has not been reported in the literature. This variant is reported in 0.0018% of alleles in individuals of European (Non-Finnish) descent in gnomAD. At this time, the clinical significance of this variant is uncertain due to the absence of conclusive functional and genetic evidence.

Labcorp Genetics (formerly Invitae), Labcorp
Classification: Uncertain significance for Cognitive impairment - coarse facies - heart defects - obesity - pulmonary involvement - short stature - skeletal dysplasia syndrome. Last evaluated: 2025-06-01. Review status: criteria provided, single submitter. Criteria: Invitae Variant Classification Sherloc (09022015). Collection method: clinical testing. Allele origin: germline.
Comment: This sequence change replaces lysine, which is basic and polar, with asparagine, which is neutral and polar, at codon 865 of the AFF4 protein (p.Lys865Asn). This variant is present in population databases (rs747252018, gnomAD 0.002%). This variant has not been reported in the literature in individuals affected with AFF4-related conditions. Invitae Evidence Modeling of protein sequence and biophysical properties (such as structural, functional, and spatial information, amino acid conservation, physicochemical variation, residue mobility, and thermodynamic stability) indicates that this missense variant is not expected to disrupt AFF4 protein function with a negative predictive value of 80%. In summary, the available evidence is currently insufficient to determine the role of this variant in disease. Therefore, it has been classified as a Variant of Uncertain Significance.